The following is an entry in ClinVar:

ClinVar aggregate classification (germline): Pathogenic (1 of 4 stars; one submission).

Conditions:
Primary ciliary dyskinesia. Also called: Ciliary dyskinesia. Identifiers: Orphanet 244, MedGen C0008780, MONDO:0016575, HP:0012265.

Submission:

Labcorp Genetics (formerly Invitae), Labcorp
Classification: Pathogenic for Primary ciliary dyskinesia. Last evaluated: 2023-07-25. Review status: criteria provided, single submitter. Criteria: Invitae Variant Classification Sherloc (09022015). Collection method: clinical testing. Allele origin: germline.
Comment: This variant has not been reported in the literature in individuals affected with CCDC39-related conditions. This sequence change creates a premature translational stop signal (p.Arg282Asnfs*5) in the CCDC39 gene. It is expected to result in an absent or disrupted protein product. Loss-of-function variants in CCDC39 are known to be pathogenic (PMID: 21131972, 23255504). This variant is not present in population databases (gnomAD no frequency). Algorithms developed to predict the effect of sequence changes on RNA splicing suggest that this variant may disrupt the consensus splice site. For these reasons, this variant has been classified as Pathogenic.

Literature cited by the submitters: PubMed 21131972; PubMed 23255504.

NM_181426.2(CCDC39):c.840_841del (p.Arg282fs)

Gene: CCDC39 (coiled-coil domain 39 molecular ruler complex subunit; minus strand). Cytogenetic location: 3q26.33.
Variant type: Microsatellite.
Coding change: c.840_841del on transcript NM_181426.2 (MANE Select); coding-DNA positions 840 to 841, 2 bases deleted (GA; older notation c.840_841delGA).
Protein change: p.Arg282fs; shifts the reading frame from arginine 282.
Molecular consequence: frameshift variant.
Genome position (GRCh38, 1-based): chr3:180,654,851-180,654,852, TC deleted on the plus strand (GA on the coding strand, the reverse complement: CCDC39 is on the minus strand); deleting any 2 consecutive bases within chr3:180,654,851-180,654,854 gives the same sequence; the c. name uses the placement nearest the transcript's 3' end. VCF-style (leftmost placement, unchanged base first): chr3-180654850-TTC-T. GRCh37 (hg19) VCF-style: chr3-180372638-TTC-T.
Other names: short protein forms R282fs.
Identifiers: ClinVar variation 3018343 (VCV003018343.3), dbSNP rs2473817613, ClinGen allele CA2606696099.
Genomic context (GRCh38, chr3:180,654,850, plus strand): 5'-TCATGGTCCTGATATGCCGTTCTACATTTTAAAAGTTTACGATCAGCCACAGAAATTCTT[TTC>T]TCAAACTCTGTGTTATTCCCAATCTCACTTTCCAAAAACTTGATCTTTTCTTTAACCAAA-3'